The following is an entry in ClinVar:

ClinVar aggregate classification (germline): Uncertain significance (1 of 4 stars; one submission).

Conditions:
CHARGE syndrome (CHARGE). Also called: Hittner Hirsch Kreh syndrome; CHARGE ASSOCIATION--COLOBOMA, HEART ANOMALY, CHOANAL ATRESIA, RETARDATION, GENITAL AND EAR ANOMALIES; Coloboma, heart anomaly, choanal atresia, retardation, genital and ear anomalies; CHARGE association; Hall-Hittner syndrome. Identifiers: Orphanet 138, MedGen C0265354, MONDO:0008965.

Submission:

Labcorp Genetics (formerly Invitae), Labcorp
Classification: Uncertain significance for CHARGE syndrome. Last evaluated: 2023-11-24. Review status: criteria provided, single submitter. Criteria: Invitae Variant Classification Sherloc (09022015). Collection method: clinical testing. Allele origin: germline.
Comment: This sequence change replaces glutamine, which is neutral and polar, with histidine, which is basic and polar, at codon 1633 of the CHD7 protein (p.Gln1633His). This variant is not present in population databases (gnomAD no frequency). This variant has not been reported in the literature in individuals affected with CHD7-related conditions. Advanced modeling of protein sequence and biophysical properties (such as structural, functional, and spatial information, amino acid conservation, physicochemical variation, residue mobility, and thermodynamic stability) performed at Invitae indicates that this missense variant is not expected to disrupt CHD7 protein function with a negative predictive value of 95%. In summary, the available evidence is currently insufficient to determine the role of this variant in disease. Therefore, it has been classified as a Variant of Uncertain Significance.

NM_017780.4(CHD7):c.4899A>T (p.Gln1633His)

Gene: CHD7 (chromodomain helicase DNA binding protein 7; plus strand). Cytogenetic location: 8q12.2.
Variant type: single nucleotide variant.
Coding change: c.4899A>T on transcript NM_017780.4 (MANE Select); coding-DNA position 4899, A replaced by T.
Protein change: p.Gln1633His; replaces glutamine 1633 with histidine.
Molecular consequence: missense variant. On other transcripts: intron variant (1).
Genome position (GRCh38, 1-based): chr8:60,844,912, A>T. VCF-style: chr8-60844912-A-T. GRCh37 (hg19) VCF-style: chr8-61757471-A-T.
Other names: c.1717-17317A>T (NM_001316690.1); short protein forms Q1633H.
Identifiers: ClinVar variation 3011370 (VCV003011370.3), dbSNP rs761002319, ClinGen allele CA371319828.
Genomic context (GRCh38, chr8:60,844,912, plus strand): 5'-TTTGCTTTGCAGTTGGGGACGGTGGACAGACATTCTTTCCCACGGACGCTATAAACGCCA[A>T]CTCACTGAGCAAGATGTAGAAACCATCTGCAGAACCATCCTGGTGTACTGTCTTAATCAT-3'
Protein context (NP_060250.2, residues 1623-1643): DILSHGRYKR[Gln1633His]LTEQDVETIC